The following is an entry in ClinVar:

ClinVar aggregate classification (germline): Uncertain significance. Review status: criteria provided, multiple submitters, no conflicts (2 of 4 stars). 3 submissions from 3 submitters: Uncertain significance (3). Last evaluated 2025-09-20.

Conditions:
Parathyroid carcinoma (PRTC). Also called: Parathyroid gland carcinoma; CDC73-Related Parathyroid Carcinoma. Identifiers: Orphanet 143, MedGen C0687150, MONDO:0012004, OMIM 608266, HP:0006780.
Hyperparathyroidism 2 with jaw tumors. Also called: Hyperparathyroidism 2; Hyperparathyroidism-Jaw Tumor Syndrome; HYPERPARATHYROIDISM, FAMILIAL PRIMARY, WITH MULTIPLE OSSIFYING JAW FIBROMAS; HYPERPARATHYROIDISM-JAW TUMOR SYNDROME, HEREDITARY. Identifiers: Orphanet 99880, MedGen C1704981, MONDO:0007768, OMIM 145001.
Hyperparathyroidism 1 (HRPT1). Also called: HYPERPARATHYROIDISM, FAMILIAL ISOLATED PRIMARY. Identifiers: Orphanet 99879, MedGen C1840402, MONDO:0007767, OMIM 145000.
Hereditary cancer-predisposing syndrome. Also called: Hereditary neoplastic syndrome; Neoplastic Syndromes, Hereditary; Tumor predisposition; Hereditary Cancer Syndrome. Identifiers: Orphanet 140162, MedGen C0027672, MeSH D009386, MONDO:0015356.

Allele frequency attached by ClinVar (database versions not stated): TOPMed below 0.00001; gnomAD 0.00001; gnomAD exomes 0.00002; ExAC 0.00003.
gnomAD v4.1: 23 of 1,606,892 alleles (0.0014%); highest among the groups gnomAD compares: Non-Finnish European, 0.0016%; no homozygotes.

Submissions (3):

Labcorp Genetics (formerly Invitae), Labcorp
Classification: Uncertain significance for Parathyroid carcinoma. Last evaluated: 2025-09-20. Review status: criteria provided, single submitter. Criteria: Invitae Variant Classification Sherloc (09022015). Collection method: clinical testing. Allele origin: germline.
Comment: This sequence change replaces proline, which is neutral and non-polar, with serine, which is neutral and polar, at codon 275 of the CDC73 protein (p.Pro275Ser). This variant is present in population databases (rs758391256, gnomAD 0.01%). This variant has not been reported in the literature in individuals affected with CDC73-related conditions. ClinVar contains an entry for this variant (Variation ID: 1025146). Invitae Evidence Modeling of protein sequence and biophysical properties (such as structural, functional, and spatial information, amino acid conservation, physicochemical variation, residue mobility, and thermodynamic stability) indicates that this missense variant is not expected to disrupt CDC73 protein function with a negative predictive value of 80%. In summary, the available evidence is currently insufficient to determine the role of this variant in disease. Therefore, it has been classified as a Variant of Uncertain Significance.

Ambry Genetics
Classification: Uncertain significance for Hereditary cancer-predisposing syndrome. Last evaluated: 2024-05-20. Review status: criteria provided, single submitter. Criteria: Ambry Variant Classification Scheme 2023. Collection method: clinical testing. Allele origin: germline.
Comment: The p.P275S variant (also known as c.823C>T), located in coding exon 8 of the CDC73 gene, results from a C to T substitution at nucleotide position 823. The proline at codon 275 is replaced by serine, an amino acid with similar properties. This amino acid position is not well conserved in available vertebrate species. In addition, this alteration is predicted to be tolerated by in silico analysis. Based on the available evidence, the clinical significance of this variant remains unclear.

Fulgent Genetics
Classification: Uncertain significance for Hyperparathyroidism 1; Hyperparathyroidism 2 with jaw tumors; Parathyroid carcinoma. Last evaluated: 2021-10-26. Review status: criteria provided, single submitter. Criteria: ACMG Guidelines, 2015. Collection method: clinical testing. Allele origin: unknown.

NM_024529.5(CDC73):c.823C>T (p.Pro275Ser)

Gene: CDC73 (cell division cycle 73; plus strand). Cytogenetic location: 1q31.2.
Variant type: single nucleotide variant.
Coding change: c.823C>T on transcript NM_024529.5 (MANE Select); coding-DNA position 823, C replaced by T.
Protein change: p.Pro275Ser; replaces proline 275 with serine.
Molecular consequence: missense variant.
Genome position (GRCh38, 1-based): chr1:193,147,960, C>T. VCF-style: chr1-193147960-C-T. GRCh37 (hg19) VCF-style: chr1-193117090-C-T.
Other names: short protein forms P275S.
Identifiers: ClinVar variation 1025146 (VCV001025146.11), dbSNP rs758391256, ClinGen allele CA1303466.
Genomic context (GRCh38, chr1:193,147,960, plus strand): 5'-TCTGTAAAAGCCAGAGAAGAAGGGCGTGCACCTGAACAGCGACCTGCCCCAAATGCAGCA[C>T]CTGTGGTAAGAATGCTTTACTGCTTTACAGTAGATTTAATGAAGTTGCCACTTATATTGC-3'
Protein context (NP_078805.3, residues 265-285): PEQRPAPNAA[Pro275Ser]VDPTLRTKQP